The following is an entry in ClinVar:

ClinVar aggregate classification (germline): Likely benign. Review status: criteria provided, multiple submitters, no conflicts (2 of 4 stars). 3 submissions from 3 submitters: Likely benign (3). Last evaluated 2026-06-18.

Conditions:
Retinoblastoma (RB1). Also called: RETINOBLASTOMA, SOMATIC. Identifiers: Orphanet 790, MedGen C0035335, MeSH D012175, MONDO:0008380, OMIM 180200, HP:0009919. Disease mechanism: loss of function. Inheritance: Both sporadic and heritable forms are tested..

Allele frequency attached by ClinVar (database versions not stated): gnomAD 0.00004 and 0.00003.

Submissions (3):

Myriad Genetics, Inc.
Classification: Likely benign for Retinoblastoma. Last evaluated: 2026-06-18. Review status: criteria provided, single submitter. Criteria: Myriad Autosomal Dominant, Autosomal Recessive and X-Linked Classification Criteria (2023). Collection method: clinical testing. Allele origin: unknown.
Comment: This variant is considered likely benign. This variant is intronic and is not expected to impact mRNA splicing.

Labcorp Genetics (formerly Invitae), Labcorp
Classification: Likely benign for Retinoblastoma. Last evaluated: 2025-07-30. Review status: criteria provided, single submitter. Criteria: Invitae Variant Classification Sherloc (09022015). Collection method: clinical testing. Allele origin: germline.

Color Diagnostics, LLC DBA Color Health
Classification: Likely benign for Retinoblastoma. Last evaluated: 2022-04-28. Review status: criteria provided, single submitter. Criteria: ACMG Guidelines, 2015. Collection method: clinical testing. Allele origin: germline.

NM_000321.3(RB1):c.1390-10T>C

Gene: RB1 (RB transcriptional corepressor 1; plus strand). Cytogenetic location: 13q14.2.
Variant type: single nucleotide variant.
Coding change: c.1390-10T>C on transcript NM_000321.3 (MANE Select); 10 bases into the intron before coding-DNA position 1390, T replaced by C.
Molecular consequence: intron variant.
Genome position (GRCh38, 1-based): chr13:48,380,043, T>C. VCF-style: chr13-48380043-T-C. GRCh37 (hg19) VCF-style: chr13-48954179-T-C.
Identifiers: ClinVar variation 1063131 (VCV001063131.8), dbSNP rs1323914179, ClinGen allele CA609577928.